The following is an entry in ClinVar:

NM_001605.3(AARS1):c.2235dup (p.Ala746fs)

Gene: AARS1 (alanyl-tRNA synthetase 1; minus strand). Cytogenetic location: 16q22.1.
Variant type: Duplication.
Coding change: c.2235dup on transcript NM_001605.3 (MANE Select); coding-DNA position 2235, one base duplicated (T; older notation c.2235dupT).
Protein change: p.Ala746fs; shifts the reading frame from alanine 746.
Molecular consequence: frameshift variant.
Genome position (GRCh38, 1-based): chr16:70,255,779, A duplicated on the plus strand (T on the coding strand, the reverse complement: AARS1 is on the minus strand); the first of 2 consecutive A bases (chr16:70,255,779-70,255,780); duplicating either gives the same sequence. VCF-style (leftmost placement, unchanged base first): chr16-70255778-C-CA. GRCh37 (hg19) VCF-style: chr16-70289681-C-CA.
Other names: c.2235dupT (NM_001605.2); short protein forms A746fs.
Identifiers: ClinVar variation 817289 (VCV000817289.2), dbSNP rs1597434047, ClinGen allele CA915949339.

ClinVar aggregate classification (germline): Likely pathogenic (1 of 4 stars; one submission).

Submission:

GeneDx
Classification: Likely pathogenic. Last evaluated: 2021-09-14. Review status: criteria provided, single submitter. Criteria: GeneDx Variant Classification Process June 2021. Collection method: clinical testing. Allele origin: germline. Affected: yes.
Comment: Not observed in large population cohorts (Lek et al., 2016); Has not been previously published as pathogenic or benign to our knowledge